The following is an entry in ClinVar:

ClinVar aggregate classification (germline): Pathogenic (1 of 4 stars; one submission).

Submission:

Labcorp Genetics (formerly Invitae), Labcorp
Classification: Pathogenic. Last evaluated: 2021-08-25. Review status: criteria provided, single submitter. Criteria: Invitae Variant Classification Sherloc (09022015). Collection method: clinical testing. Allele origin: germline.
Comment: For these reasons, this variant has been classified as Pathogenic. Algorithms developed to predict the effect of sequence changes on RNA splicing suggest that this variant may create or strengthen a splice site. This variant has not been reported in the literature in individuals affected with RHO-related conditions. This variant is not present in population databases (ExAC no frequency). This sequence change creates a premature translational stop signal (p.Gln36*) in the RHO gene. It is expected to result in an absent or disrupted protein product. Loss-of-function variants in RHO are known to be pathogenic (PMID: 1303237, 21174529).

Literature cited by the submitters: PubMed 1303237; PubMed 21174529.

NM_000539.3(RHO):c.106C>T (p.Gln36Ter)

Gene: RHO (rhodopsin; plus strand). Cytogenetic location: 3q22.1.
Variant type: single nucleotide variant.
Coding change: c.106C>T on transcript NM_000539.3 (MANE Select); coding-DNA position 106, C replaced by T.
Protein change: p.Gln36Ter; replaces glutamine 36 with a stop codon.
Molecular consequence: nonsense.
Genome position (GRCh38, 1-based): chr3:129,528,839, C>T. VCF-style: chr3-129528839-C-T. GRCh37 (hg19) VCF-style: chr3-129247682-C-T.
Other names: short protein forms Q36*.
Identifiers: ClinVar variation 1453162 (VCV001453162.6), dbSNP rs760515764, ClinGen allele CA354495749.